The following is an entry in ClinVar:

ClinVar aggregate classification (germline): Likely benign (1 of 4 stars; one submission).

Submission:

CeGaT Center for Human Genetics Tuebingen
Classification: Likely benign. Last evaluated: 2026-05-01. Review status: criteria provided, single submitter. Criteria: CeGaT Center For Human Genetics Tuebingen Variant Classification Criteria Version 2. Collection method: clinical testing. Allele origin: germline. Affected: yes. Observed: 1 variant allele.
Comment: BTBD17: PM2:Supporting, BP4, BP7

NM_001080466.2(BTBD17):c.1095G>C (p.Leu365=)

Gene: BTBD17 (BTB domain containing 17; minus strand). Cytogenetic location: 17q25.1.
Variant type: single nucleotide variant.
Coding change: c.1095G>C on transcript NM_001080466.2 (MANE Select); coding-DNA position 1095, G replaced by C.
Protein change: p.Leu365=; no amino-acid change (leucine 365 retained).
Molecular consequence: synonymous variant.
Genome position (GRCh38, 1-based): chr17:74,356,999, C>G on the plus strand (G>C on the coding strand, the complement: BTBD17 is on the minus strand). VCF-style: chr17-74356999-C-G. GRCh37 (hg19) VCF-style: chr17-72353138-C-G.
Identifiers: ClinVar variation 4873343 (VCV004873343.2).